The following is an entry in ClinVar:

NM_001204.7(BMPR2):c.1604G>A (p.Arg535Lys)

Gene: BMPR2 (bone morphogenetic protein receptor type 2; plus strand). Cytogenetic location: 2q33.2.
Variant type: single nucleotide variant.
Coding change: c.1604G>A on transcript NM_001204.7 (MANE Select); coding-DNA position 1604, G replaced by A.
Protein change: p.Arg535Lys; replaces arginine 535 with lysine.
Molecular consequence: missense variant.
Genome position (GRCh38, 1-based): chr2:202,555,269, G>A. VCF-style: chr2-202555269-G-A. GRCh37 (hg19) VCF-style: chr2-203419992-G-A.
Other names: short protein forms R535K.
Identifiers: ClinVar variation 3134599 (VCV003134599.2), dbSNP rs772477135, ClinGen allele CA350345730.

ClinVar aggregate classification (germline): Uncertain significance (1 of 4 stars; one submission).

Conditions:
Inborn genetic diseases. Identifiers: MedGen C0950123, MeSH D030342.

Allele frequency attached by ClinVar (database versions not stated): gnomAD exomes below 0.00001; TOPMed below 0.00001.
gnomAD v4.1: 2 of 1,613,960 alleles (0.00012%); highest among the groups gnomAD compares: Middle Eastern, 0.016%; no homozygotes.

Submission:

Ambry Genetics
Classification: Uncertain significance for Inborn genetic diseases. Last evaluated: 2025-01-13. Review status: criteria provided, single submitter. Criteria: Ambry Variant Classification Scheme 2023. Collection method: clinical testing. Allele origin: germline.
Comment: The p.R535K variant (also known as c.1604G>A), located in coding exon 12 of the BMPR2 gene, results from a G to A substitution at nucleotide position 1604. The arginine at codon 535 is replaced by lysine, an amino acid with highly similar properties. This amino acid position is conserved. In addition, the in silico prediction for this alteration is inconclusive. Based on the available evidence, the clinical significance of this variant remains unclear.